The following is an entry in ClinVar:

NM_021098.3(CACNA1H):c.4350+1G>A

Gene: CACNA1H (calcium voltage-gated channel subunit alpha1 H; plus strand). Cytogenetic location: 16p13.3.
Variant type: single nucleotide variant.
Coding change: c.4350+1G>A on transcript NM_021098.3 (MANE Select); the canonical splice donor site of the intron after coding-DNA position 4350, G replaced by A.
Molecular consequence: splice donor variant.
Genome position (GRCh38, 1-based): chr16:1,211,295, G>A. VCF-style: chr16-1211295-G-A. GRCh37 (hg19) VCF-style: chr16-1261295-G-A.
Other names: c.4350+1G>A (NM_001005407.2).
Identifiers: ClinVar variation 2940938 (VCV002940938.3), dbSNP rs1319220997, ClinGen allele CA394178624.

ClinVar aggregate classification (germline): Uncertain significance (1 of 4 stars; one submission).

Conditions:
Idiopathic generalized epilepsy. Also called: EIG; Generalised epilepsy. Identifiers: MedGen C0270850, MONDO:0005579, OMIM 600669.
Hyperaldosteronism, familial, type IV (HALD4). Also called: FH IV; ALDOSTERONISM, PRIMARY, AND HYPERTENSION. Identifiers: Orphanet 642671, MedGen C4310756, MONDO:0014875, OMIM 617027.

Submission:

Labcorp Genetics (formerly Invitae), Labcorp
Classification: Uncertain significance for Idiopathic generalized epilepsy; Hyperaldosteronism, familial, type IV. Last evaluated: 2022-10-27. Review status: criteria provided, single submitter. Criteria: Invitae Variant Classification Sherloc (09022015). Collection method: clinical testing. Allele origin: germline.
Comment: This variant has not been reported in the literature in individuals affected with CACNA1H-related conditions. Algorithms developed to predict the effect of sequence changes on RNA splicing suggest that this variant may disrupt the consensus splice site. In summary, the available evidence is currently insufficient to determine the role of this variant in disease. Therefore, it has been classified as a Variant of Uncertain Significance. This variant is not present in population databases (gnomAD no frequency). This sequence change affects a donor splice site in intron 22 of the CACNA1H gene. It is expected to disrupt RNA splicing. Variants that disrupt the donor or acceptor splice site typically lead to a loss of protein function (PMID: 16199547), however the current clinical and genetic evidence is not sufficient to establish whether loss-of-function variants in CACNA1H cause disease.

Literature cited by the submitters: PubMed 16199547.